The following is an entry in ClinVar:

NM_006231.4(POLE):c.3891G>A (p.Ser1297=)

Gene: POLE (DNA polymerase epsilon, catalytic subunit; minus strand). Cytogenetic location: 12q24.33.
Variant type: single nucleotide variant.
Coding change: c.3891G>A on transcript NM_006231.4 (MANE Select); coding-DNA position 3891, G replaced by A.
Protein change: p.Ser1297=; no amino-acid change (serine 1297 retained).
Molecular consequence: synonymous variant.
Genome position (GRCh38, 1-based): chr12:132,649,420, C>T on the plus strand (G>A on the coding strand, the complement: POLE is on the minus strand). VCF-style: chr12-132649420-C-T. GRCh37 (hg19) VCF-style: chr12-133226006-C-T.
Identifiers: ClinVar variation 240487 (VCV000240487.21), dbSNP rs375466233, ClinGen allele CA6893059.

ClinVar aggregate classification (germline): Likely benign. Review status: criteria provided, multiple submitters, no conflicts (2 of 4 stars). 4 submissions from 4 submitters: Likely benign (3). 1 of the submissions does not count toward it. Last evaluated 2026-01-22.

Conditions:
POLE-related disorder. Also called: POLE-related disorders; POLE-related condition.
Hereditary cancer-predisposing syndrome. Also called: Tumor predisposition; Neoplastic Syndromes, Hereditary; Hereditary Cancer Syndrome; Hereditary neoplastic syndrome. Identifiers: Orphanet 140162, MedGen C0027672, MeSH D009386, MONDO:0015356.

Allele frequency attached by ClinVar (database versions not stated): gnomAD exomes 0.00002; TOPMed 0.00002; ExAC 0.00004; gnomAD 0.00004; ESP Exome Variant Server 0.00023.
gnomAD v4.1: 54 of 1,612,990 alleles (0.0033%); highest among the groups gnomAD compares: African/African-American, 0.004%; no homozygotes.

Submissions (4):

Labcorp Genetics (formerly Invitae), Labcorp
Classification: Likely benign. Last evaluated: 2026-01-22. Review status: criteria provided, single submitter. Criteria: Invitae Variant Classification Sherloc (09022015). Collection method: clinical testing. Allele origin: germline.

GeneDx
Classification: Likely benign. Last evaluated: 2019-07-30. Review status: criteria provided, single submitter. Criteria: GeneDx Variant Classification Process June 2021. Collection method: clinical testing. Allele origin: germline. Affected: yes.

Ambry Genetics
Classification: Likely benign for Hereditary cancer-predisposing syndrome. Last evaluated: 2016-02-22. Review status: criteria provided, single submitter. Criteria: Ambry Variant Classification Scheme 2023. Collection method: clinical testing. Allele origin: germline.

PreventionGenetics, part of Exact Sciences
Classification: Likely benign for POLE-related condition. Last evaluated: 2019-12-26. Review status: no assertion criteria provided. Collection method: clinical testing. Allele origin: germline. Not counted in ClinVar's aggregate classification.
Comment: This variant is classified as likely benign based on ACMG/AMP sequence variant interpretation guidelines (Richards et al. 2015 PMID: 25741868, with internal and published modifications).